The following is an entry in ClinVar:

NM_018979.4(WNK1):c.364G>C (p.Glu122Gln)

Gene: WNK1 (WNK lysine deficient protein kinase 1; plus strand). Cytogenetic location: 12p13.33.
Variant type: single nucleotide variant.
Coding change: c.364G>C on transcript NM_018979.4 (MANE Select); coding-DNA position 364, G replaced by C.
Protein change: p.Glu122Gln; replaces glutamic acid 122 with glutamine.
Molecular consequence: missense variant.
Genome position (GRCh38, 1-based): chr12:753,929, G>C. VCF-style: chr12-753929-G-C. GRCh37 (hg19) VCF-style: chr12-863095-G-C.
Other names: c.364G>C, p.Glu122Gln (NM_001184985.2, NM_014823.3, NM_213655.5); short protein forms E122Q.
Identifiers: ClinVar variation 4790624 (VCV004790624.1).
Genomic context (GRCh38, chr12:753,929, plus strand): 5'-CTGCCCCAGCCCAGCATCCCCGCGGCTGTCCCGCAGAGTGCTCCACCGGAGCCCCACCGG[G>C]AAGAGACCGTGACCGCCACCGCCACTTCCCAGGTAGCCCAGCAGCCTCCAGCCGCTGCCG-3'
Protein context (NP_061852.3, residues 112-132): PQSAPPEPHR[Glu122Gln]ETVTATATSQ

ClinVar aggregate classification (germline): Uncertain significance (1 of 4 stars; one submission).

Conditions:
Neuropathy, hereditary sensory and autonomic, type 2A (HSAN2A). Also called: WNK1-Related HSAN2 (HSAN2A); ACROOSTEOLYSIS, GIACCAI TYPE; ACROOSTEOLYSIS, NEUROGENIC; MORVAN DISEASE; NEUROPATHY, CONGENITAL SENSORY; NEUROPATHY, HEREDITARY SENSORY RADICULAR, AUTOSOMAL RECESSIVE. Identifiers: Orphanet 970, MedGen C2752089, MONDO:0024309, OMIM 201300.
Pseudohypoaldosteronism type 2C (PHA2C). Also called: Pseudohypoaldosteronism Type IIC. Identifiers: Orphanet 757, Orphanet 88940, MedGen C1840391, MONDO:0013778, OMIM 614492.

Submission:

Labcorp Genetics (formerly Invitae), Labcorp
Classification: Uncertain significance for Neuropathy, hereditary sensory and autonomic, type 2A; Pseudohypoaldosteronism type 2C. Last evaluated: 2025-09-20. Review status: criteria provided, single submitter. Criteria: Invitae Variant Classification Sherloc (09022015). Collection method: clinical testing. Allele origin: germline.
Comment: This sequence change replaces glutamic acid, which is acidic and polar, with glutamine, which is neutral and polar, at codon 122 of the WNK1 protein (p.Glu122Gln). This variant is not present in population databases (gnomAD no frequency). This variant has not been reported in the literature in individuals affected with WNK1-related conditions. Invitae Evidence Modeling of protein sequence and biophysical properties (such as structural, functional, and spatial information, amino acid conservation, physicochemical variation, residue mobility, and thermodynamic stability) indicates that this missense variant is not expected to disrupt WNK1 protein function with a negative predictive value of 95%. In summary, the available evidence is currently insufficient to determine the role of this variant in disease. Therefore, it has been classified as a Variant of Uncertain Significance.